The following is an entry in ClinVar:

ClinVar aggregate classification (germline): Uncertain significance (1 of 4 stars; one submission).

Conditions:
Cohen syndrome (COH1). Also called: PEPPER SYNDROME; Cutis verticis gyrata, retinitis pigmentosa, and sensorineural deafness. Identifiers: Orphanet 193, MedGen C0265223, MONDO:0008999, OMIM 216550.

Allele frequency attached by ClinVar (database versions not stated): TOPMed below 0.00001; gnomAD 0.00001.
gnomAD v4.1: 9 of 1,613,674 alleles (0.00056%); highest among the groups gnomAD compares: African/African-American, 0.0013%; no homozygotes.

Submission:

Labcorp Genetics (formerly Invitae), Labcorp
Classification: Uncertain significance for Cohen syndrome. Last evaluated: 2022-10-13. Review status: criteria provided, single submitter. Criteria: Invitae Variant Classification Sherloc (09022015). Collection method: clinical testing. Allele origin: germline.
Comment: This sequence change replaces aspartic acid, which is acidic and polar, with glutamic acid, which is acidic and polar, at codon 166 of the VPS13B protein (p.Asp166Glu). This variant is present in population databases (rs776596431, gnomAD 0.004%). This variant has not been reported in the literature in individuals affected with VPS13B-related conditions. ClinVar contains an entry for this variant (Variation ID: 1475590). Advanced modeling of protein sequence and biophysical properties (such as structural, functional, and spatial information, amino acid conservation, physicochemical variation, residue mobility, and thermodynamic stability) performed at Invitae indicates that this missense variant is expected to disrupt VPS13B protein function. In summary, the available evidence is currently insufficient to determine the role of this variant in disease. Therefore, it has been classified as a Variant of Uncertain Significance.

NM_152564.5(VPS13B):c.498T>G (p.Asp166Glu)

Gene: VPS13B (vacuolar protein sorting 13 homolog B; plus strand). Cytogenetic location: 8q22.2.
Variant type: single nucleotide variant.
Coding change: c.498T>G on transcript NM_152564.5 (MANE Select); coding-DNA position 498, T replaced by G.
Protein change: p.Asp166Glu; replaces aspartic acid 166 with glutamic acid.
Molecular consequence: missense variant. On other transcripts: non-coding transcript variant (1).
Genome position (GRCh38, 1-based): chr8:99,103,038, T>G. VCF-style: chr8-99103038-T-G. GRCh37 (hg19) VCF-style: chr8-100115266-T-G.
Other names: c.498T>G, p.Asp166Glu (NM_015243.3, NM_017890.5, NM_181661.3); short protein forms D166E.
Identifiers: ClinVar variation 1475590 (VCV001475590.5), dbSNP rs776596431, ClinGen allele CA4822398.